The following is an entry in ClinVar:

NM_033419.5(PGAP3):c.500T>C (p.Met167Thr)

Gene: PGAP3 (post-GPI attachment to proteins phospholipase 3; minus strand). Cytogenetic location: 17q12.
Variant type: single nucleotide variant.
Coding change: c.500T>C on transcript NM_033419.5 (MANE Select); coding-DNA position 500, T replaced by C.
Protein change: p.Met167Thr; replaces methionine 167 with threonine.
Molecular consequence: missense variant. On other transcripts: intron variant (1).
Genome position (GRCh38, 1-based): chr17:39,674,050, A>G on the plus strand (T>C on the coding strand, the complement: PGAP3 is on the minus strand). VCF-style: chr17-39674050-A-G. GRCh37 (hg19) VCF-style: chr17-37830303-A-G.
Other names: c.347T>C, p.Met116Thr (NM_001291726.2); c.437T>C, p.Met146Thr (NM_001291728.2, NM_001291732.2); c.500T>C, p.Met167Thr (NM_001291730.2); c.433-1184T>C (NM_001291733.2); short protein forms M146T, M116T, M167T.
Identifiers: ClinVar variation 2967064 (VCV002967064.2), dbSNP rs752961005, ClinGen allele CA8533335.

ClinVar aggregate classification (germline): Uncertain significance (1 of 4 stars; one submission).

Allele frequency attached by ClinVar (database versions not stated): gnomAD exomes 0.00001; ExAC 0.00002.

Submission:

Labcorp Genetics (formerly Invitae), Labcorp
Classification: Uncertain significance. Last evaluated: 2023-12-28. Review status: criteria provided, single submitter. Criteria: Invitae Variant Classification Sherloc (09022015). Collection method: clinical testing. Allele origin: germline.
Comment: This sequence change replaces methionine, which is neutral and non-polar, with threonine, which is neutral and polar, at codon 167 of the PGAP3 protein (p.Met167Thr). This variant is present in population databases (rs752961005, gnomAD 0.01%). This variant has not been reported in the literature in individuals affected with PGAP3-related conditions. Advanced modeling of protein sequence and biophysical properties (such as structural, functional, and spatial information, amino acid conservation, physicochemical variation, residue mobility, and thermodynamic stability) has been performed at Invitae for this missense variant, however the output from this modeling did not meet the statistical confidence thresholds required to predict the impact of this variant on PGAP3 protein function. In summary, the available evidence is currently insufficient to determine the role of this variant in disease. Therefore, it has been classified as a Variant of Uncertain Significance.